The following is an entry in ClinVar:

NM_000760.4(CSF3R):c.1412_1413delinsAA (p.Ser471Lys)

Gene: CSF3R (colony stimulating factor 3 receptor; minus strand). Cytogenetic location: 1p34.3.
Variant type: Indel.
Coding change: c.1412_1413delinsAA on transcript NM_000760.4 (MANE Select); coding-DNA positions 1412 to 1413, GC replaced by AA.
Protein change: p.Ser471Lys; replaces serine 471 with lysine.
Molecular consequence: missense variant.
Genome position (GRCh38, 1-based): chr1:36,469,713-36,469,714, GC replaced by TT on the plus strand (GC replaced by AA on the coding strand, the reverse complement: CSF3R is on the minus strand). VCF-style: chr1-36469713-GC-TT. GRCh37 (hg19) VCF-style: chr1-36935314-GC-TT.
Other names: c.1412_1413delinsAA, p.Ser471Lys (NM_156039.3, NM_172313.3); short protein forms S471K.
Identifiers: ClinVar variation 1402078 (VCV001402078.7), dbSNP rs2124110365, ClinGen allele CA2573132247.
Genomic context (GRCh38, chr1:36,469,713, plus strand): 5'-CTTCAGCAGAAACCCCGTGGCTCTCCCATTCTGTTCCATCCTCCAGGTCTTGTTGCTATT[GC>TT]TCGCGCTGGGGGGGCCCAGGCCCCACTCAATCACATAGCCCTGAGGCCATGGATTGGGGG-3'
Protein context (NP_000751.1, residues 461-481): IEWGLGPPSA[Ser471Lys]NSNKTWRMEQ

ClinVar aggregate classification (germline): Uncertain significance. Review status: criteria provided, multiple submitters, no conflicts (2 of 4 stars). 2 submissions from 2 submitters: Uncertain significance (2). Last evaluated 2025-03-22.

Conditions:
Autosomal recessive severe congenital neutropenia due to CSF3R deficiency. Also called: Neutropenia, severe congenital, 7, autosomal recessive. Identifiers: Orphanet 420702, MedGen C4310764, MONDO:0014865, OMIM 617014.

Submissions (2):

Revvity Omics, Revvity
Classification: Uncertain significance. Last evaluated: 2025-03-22. Review status: criteria provided, single submitter. Criteria: ACMG Guidelines, 2015. Collection method: clinical testing. Allele origin: germline.

Labcorp Genetics (formerly Invitae), Labcorp
Classification: Uncertain significance for Autosomal recessive severe congenital neutropenia due to CSF3R deficiency. Last evaluated: 2024-11-04. Review status: criteria provided, single submitter. Criteria: Invitae Variant Classification Sherloc (09022015). Collection method: clinical testing. Allele origin: germline.
Comment: This sequence change replaces serine, which is neutral and polar, with lysine, which is basic and polar, at codon 471 of the CSF3R protein (p.Ser471Lys). Information on the frequency of this variant in the gnomAD database is not available, as this variant may be reported differently in the database. This variant has not been reported in the literature in individuals affected with CSF3R-related conditions. ClinVar contains an entry for this variant (Variation ID: 1402078). An algorithm developed to predict the effect of missense changes on protein structure and function (PolyPhen-2) suggests that this variant is likely to be tolerated. In summary, the available evidence is currently insufficient to determine the role of this variant in disease. Therefore, it has been classified as a Variant of Uncertain Significance.